The following is an entry in ClinVar:

ClinVar aggregate classification (germline): Pathogenic (1 of 4 stars; one submission).

Submission:

Labcorp Genetics (formerly Invitae), Labcorp
Classification: Pathogenic. Last evaluated: 2022-08-08. Review status: criteria provided, single submitter. Criteria: Invitae Variant Classification Sherloc (09022015). Collection method: clinical testing. Allele origin: germline.
Comment: This variant has not been reported in the literature in individuals affected with HNF1B-related conditions. For these reasons, this variant has been classified as Pathogenic. This variant is not present in population databases (gnomAD no frequency). This sequence change creates a premature translational stop signal (p.Glu262Profs*2) in the HNF1B gene. It is expected to result in an absent or disrupted protein product. Loss-of-function variants in HNF1B are known to be pathogenic (PMID: 9398836, 12148114, 15068978, 20378641).

Literature cited by the submitters: PubMed 9398836; PubMed 12148114; PubMed 15068978; PubMed 20378641.

NM_000458.4(HNF1B):c.783_786del (p.Glu262fs)

Genes: HNF1B (HNF1 homeobox B; minus strand), LOC126862549 (BRD4-independent group 4 enhancer GRCh37_chr17:36093401-36094600; plus strand). Cytogenetic location: 17q12.
Variant type: Microsatellite.
Coding change: c.783_786del on transcript NM_000458.4 (MANE Select); coding-DNA positions 783 to 786, 4 bases deleted (AGAG; older notation c.783_786delAGAG).
Protein change: p.Glu262fs; shifts the reading frame from glutamic acid 262.
Molecular consequence: frameshift variant.
Genome position (GRCh38, 1-based): chr17:37,733,580-37,733,583, CTCT deleted on the plus strand (AGAG on the coding strand, the reverse complement: HNF1B is on the minus strand); deleting any 4 consecutive bases within chr17:37,733,580-37,733,589 gives the same sequence; the c. name uses the placement nearest the transcript's 3' end. VCF-style (leftmost placement, unchanged base first): chr17-37733579-CCTCT-C. GRCh37 (hg19) VCF-style: chr17-36093572-CCTCT-C.
Other names: c.705_708del, p.Glu236fs (NM_001165923.4, NM_001304286.2); c.777_778AG[3], p.Glu262Profs (NM_001411100.1); short protein forms E262fs, E236fs.
Identifiers: ClinVar variation 2022853 (VCV002022853.4), dbSNP rs2511808486, ClinGen allele CA2580613121.
Genomic context (GRCh38, chr17:37,733,579, plus strand): 5'-CTTGCCCACCTGCCCAGGTGAGCTTCTGGTGGTGTTACCTGTTGCATTCCTCCACTAAGG[CCTCT>C]CTCTCTTCCTTGCTGGGGTTCTTTTGCCGATCGTAGGCCTGGTACAAGATTTGCTGGGAC-3'